The following is an entry in ClinVar:

NM_020207.7(ERCC6L2):c.1132G>C (p.Asp378His)

Gene: ERCC6L2 (ERCC excision repair 6 like 2; plus strand). Cytogenetic location: 9q22.32.
Variant type: single nucleotide variant.
Coding change: c.1132G>C on transcript NM_020207.7 (MANE Select); coding-DNA position 1132, G replaced by C.
Protein change: p.Asp378His; replaces aspartic acid 378 with histidine.
Molecular consequence: missense variant. On other transcripts: non-coding transcript variant (1).
Genome position (GRCh38, 1-based): chr9:95,916,408, G>C. VCF-style: chr9-95916408-G-C. GRCh37 (hg19) VCF-style: chr9-98678690-G-C.
Other names: c.1132G>C, p.Asp378His (NM_001010895.4, NM_001375291.1, NM_001375292.1 and 2 more transcripts); short protein forms D378H.
Identifiers: ClinVar variation 4019403 (VCV004019403.1).

ClinVar aggregate classification (germline): Uncertain significance (1 of 4 stars; one submission).

Conditions:
Inborn genetic diseases. Identifiers: MedGen C0950123, MeSH D030342.

Submission:

Ambry Genetics
Classification: Uncertain significance for Inborn genetic diseases. Last evaluated: 2025-06-08. Review status: criteria provided, single submitter. Criteria: Ambry Variant Classification Scheme 2023. Collection method: clinical testing. Allele origin: germline.
Comment: The p.D378H variant (also known as c.1132G>C), located in coding exon 6 of the ERCC6L2 gene, results from a G to C substitution at nucleotide position 1132. The aspartic acid at codon 378 is replaced by histidine, an amino acid with similar properties. This amino acid position is conserved. In addition, the in silico prediction for this alteration is inconclusive. Based on the available evidence, the clinical significance of this variant remains unclear.